The following continues an entry in ClinVar:

NM_000152.5(GAA):c.670C>T (p.Arg224Trp)

Gene: GAA. ClinVar aggregate classification (germline): Pathogenic. Pathogenic (1).

Submissions 11 to 19 of 19:

Department of Human Genetics, Hannover Medical School
Classification: Pathogenic for Glycogen storage disease, type II. Last evaluated: 2024-02-06. Review status: criteria provided, single submitter. Criteria: ACMG Guidelines, 2015. Collection method: clinical testing. Allele origin: germline. Affected: yes. Not counted in ClinVar's aggregate classification.

Revvity Omics, Revvity
Classification: Pathogenic. Last evaluated: 2023-10-26. Review status: criteria provided, single submitter. Criteria: ACMG Guidelines, 2015. Collection method: clinical testing. Allele origin: germline. Not counted in ClinVar's aggregate classification.

Illumina Laboratory Services, Illumina
Classification: Pathogenic for Glycogen storage disease, type II. Last evaluated: 2022-01-13. Review status: criteria provided, single submitter. Criteria: ICSLVariantClassificationCriteria RUGD 01 April 2020. Collection method: clinical testing. Allele origin: unknown. Not counted in ClinVar's aggregate classification.
Comment: The GAA c.670C>T (p.Arg224Trp) missense variant results in the substitution of arginine at amino acid position 224 with tryptophan. Across a selection of the available literature, the c.670C>T variant has been identified in a compound heterozygous state in at least six individuals affected with glycogen storage disease, type II (Pipo et al. 2003; Pittis et al. 2003; Zouheir Habbal et al. 2013; Aykut et al. 2014; Parini et al. 2018). Affected individuals show reduced alpha-glucosidase activity and onset of the disease is influenced by the second pathogenic variant found in trans. The c.670C>T variant is reported in the Genome Aggregation Database in six alleles at a frequency of 0.000047 in the European (non-Finnish) population (version 2.1.1). Functional studies demonstrated that when the c.670C>T variant protein was expressed in cells, glucosidase enzyme activity was reduced to 2-10% of wild-type activity (Pittis et al. 2003; Pipo et al. 2003; Flanagan et al. 2009). Based on the available evidence, the c.670C>T (p.Arg224Trp) variant is classified as pathogenic for glycogen storage disease, type II.

Fulgent Genetics
Classification: Pathogenic for Glycogen storage disease, type II. Last evaluated: 2021-11-21. Review status: criteria provided, single submitter. Criteria: ACMG Guidelines, 2015. Collection method: clinical testing. Allele origin: unknown. Not counted in ClinVar's aggregate classification.

AiLife Diagnostics
Classification: Pathogenic. Last evaluated: 2021-10-29. Review status: criteria provided, single submitter. Criteria: ACMG Guidelines, 2015. Collection method: clinical testing. Allele origin: germline. Affected: yes. Observed: 2 variant alleles. Not counted in ClinVar's aggregate classification.

Broad Center for Mendelian Genomics, Broad Institute of MIT and Harvard
Classification: Pathogenic for Glycogen storage disease, type II. Last evaluated: 2020-01-22. Review status: criteria provided, single submitter. Criteria: ACMG Guidelines, 2015. Collection method: curation. Allele origin: germline. Inheritance: Autosomal recessive inheritance. Not counted in ClinVar's aggregate classification.
Comment: The heterozygous p.Arg224Trp variant in GAA has been reported in the compound heterozygous state in 6 individuals with Glycogen Storage Disease II (PMID: 25673129, 12923862, 25026126, 23632174, 14643388), and has been identified 0.005% (6/127580) of European (non-Finnish) chromosomes by the Genome Aggregation Database (gnomAD; dbSNP rs757700700). Although this variant has been seen in the general population, its frequency is low enough to be consistent with a recessive carrier frequency. This variant has also been reported as a VUS by EGL Genetic Diagnostics, a likely pathogenic variant by Counsyl, and a pathogenic variant by Invitae and Integrated Genetics in ClinVar (Variation ID: 189188). In vitro functional studies provide some evidence that the p.Arg224Trp variant may impact GAA activity (PMID: 19862843, 14643388, 12923862). However, these types of assays may not accurately represent biological function. Computational prediction tools and conservation analyses do not provide strong support for or against an impact to the protein. The presence of this variant in combination with pathogenic variants and in individuals with Glycogen Storage Disease II increases the likelihood that the p.Arg224Trp variant is pathogenic (PMID: 12923862, 25673129, 25026126). In summary, this variant meets criteria to be classified as pathogenic for Glycogen Storage Disease II in an autosomal recessive manner based on in vitro functional studies and multiple occurrences with pathogenic variants in individuals with Glycogen Storage Disease II. ACMG/AMP Criteria applied: PM3_Strong, PS3, PM2, PP4 (Richards 2015).

Women's Health and Genetics/Laboratory Corporation of America, LabCorp
Classification: Pathogenic for Glycogen storage disease, type II. Last evaluated: 2018-06-04. Review status: criteria provided, single submitter. Criteria: LabCorp Variant Classification Summary - May 2015. Collection method: clinical testing. Allele origin: germline. Not counted in ClinVar's aggregate classification.
Comment: Variant summary: GAA c.670C>T (p.Arg224Trp) results in a non-conservative amino acid change located in the Galactose mutarotase, N-terminal barrel of the encoded protein sequence. Four of five in-silico tools predict a damaging effect of the variant on protein function. The variant allele was found at a frequency of 2.2e-05 in 269992 control chromosomes (gnomAD and publications). The variant, c.670C>T, has been reported in the literature in individuals affected with Glycogen Storage Disease, Type 2 (Pompe Disease) (Angelini_2012, Habbal_2013, Pipo_2003, Pittis_2003, Pittis_2008). These data indicate that the variant is likely to be associated with disease. Multiple publications have functionally assessed the variant indicating the variant significantly impedes GAA enzymatic activity (Angelini_2012, Pipo_2003, Pittis_2003). Two ClinVar submissions from clinical diagnostic laboratories (evaluation after 2014) cites the variant as likely pathogenic or uncertain significance without additional evidence to independently evaluate. Based on the evidence outlined above, the variant was classified as pathogenic.

Counsyl
Classification: Likely pathogenic for Glycogen storage disease, type II. Last evaluated: 2015-02-19. Review status: no assertion criteria provided. Collection method: literature only. Allele origin: unknown. Inheritance: Autosomal recessive inheritance. Not counted in ClinVar's aggregate classification.

Eurofins Ntd Llc (ga)
Classification: Uncertain significance. Last evaluated: 2016-11-07. Review status: flagged submission. Criteria: EGL Classification Definitions 2015. Collection method: clinical testing. Allele origin: germline. Observed: 2 variant alleles, 2 heterozygotes. Not counted in ClinVar's aggregate classification.
ClinVar note: Reason: Conflicts with expert reviewed submission without evidence to support different classification

Literature cited by the submitters: PubMed 25673129 (cited by ClinGen Lysosomal Storage Disorder Variant Curation Expert Panel and Broad Center for Mendelian Genomics, Broad Institute of MIT and Harvard); PubMed 14643388 (cited by 6 submitters); PubMed 12923862 (cited by 10 submitters); PubMed 19862843 (cited by 6 submitters); PubMed 23632174 (cited by 8 submitters); PubMed 25026126 (cited by 5 submitters); PubMed 40660301 (cited by Genomenon, Inc); PubMed 39273088 (cited by Genomenon, Inc); PubMed 38524130 (cited by Genomenon, Inc); PubMed 38250073 (cited by Genomenon, Inc); PubMed 38043017 (cited by Genomenon, Inc); PubMed 34852371 (cited by Genomenon, Inc); PubMed 34734785 (cited by Genomenon, Inc); PubMed 33741225 (cited by Genomenon, Inc and Natera, Inc.); PubMed 33073009 (cited by Genomenon, Inc); PubMed 31193175 (cited by Genomenon, Inc); PubMed 27858647 (cited by Genomenon, Inc); PubMed 29356433 (cited by Genomenon, Inc); PubMed 36246652 (cited by Genomenon, Inc and Ambry Genetics); PubMed 33560568 (cited by 3 submitters); PubMed 18429042 (cited by 3 submitters); PubMed 29422078 (cited by 4 submitters); PubMed 31086307 (cited by Ambry Genetics and AiLife Diagnostics); PubMed 35050212 (cited by Ambry Genetics); PubMed 30564623 (cited by AiLife Diagnostics); PubMed 30275481 (cited by AiLife Diagnostics); PubMed 22081099 (cited by Women's Health and Genetics/Laboratory Corporation of America, LabCorp).